The following is an entry in ClinVar:

ClinVar aggregate classification (germline): Pathogenic. Review status: criteria provided, multiple submitters, no conflicts (2 of 4 stars). 12 submissions from 12 submitters: Pathogenic (10). 2 of the submissions do not count toward it. Last evaluated 2025-05-01.

Conditions:
Familial thoracic aortic aneurysm and aortic dissection (TAAD). Also called: Thoracic aortic aneurysms and dissections. Identifiers: Orphanet 91387, MedGen C4707243, MONDO:0019625.
Marfan syndrome (MFS). Also called: Marfan syndrome type 1; Marfan syndrome, classic; Marfan's syndrome; FBN1-Related Marfan Syndrome; MARFAN SYNDROME, TYPE I. Identifiers: Orphanet 284963, Orphanet 558, MedGen C0024796, MONDO:0007947, OMIM 154700.
FBN1-related disorder. Also called: FBN1-related disorders.

Submissions (12):

Ambry Genetics
Classification: Pathogenic for Familial thoracic aortic aneurysm and aortic dissection. Last evaluated: 2025-05-01. Review status: criteria provided, single submitter. Criteria: Ambry Variant Classification Scheme 2023. Collection method: clinical testing. Allele origin: germline.
Comment: The c.7240C>T (p.R2414*) alteration, located in exon 59 (coding exon 58) of the FBN1 gene, consists of a C to T substitution at nucleotide position 7240. This changes the amino acid from an arginine (R) to a stop codon at amino acid position 2414. This alteration is expected to result in loss of function by premature protein truncation or nonsense-mediated mRNA decay. This variant was not reported in population-based cohorts in the Genome Aggregation Database (gnomAD). This variant has been reported in multiple individuals with Marfan syndrome (MFS) or MFS-related phenotypes (K&ouml;rkk&ouml;, 2002; Schrijver, 2002; Magyar, 2009; Ogawa, 2011). Based on the available evidence, this alteration is classified as pathogenic.

Labcorp Genetics (formerly Invitae), Labcorp
Classification: Pathogenic for Marfan syndrome; Familial thoracic aortic aneurysm and aortic dissection. Last evaluated: 2025-01-07. Review status: criteria provided, single submitter. Criteria: Invitae Variant Classification Sherloc (09022015). Collection method: clinical testing. Allele origin: germline.
Comment: This sequence change creates a premature translational stop signal (p.Arg2414*) in the FBN1 gene. It is expected to result in an absent or disrupted protein product. Loss-of-function variants in FBN1 are known to be pathogenic (PMID: 17657824, 19293843). This variant is not present in population databases (gnomAD no frequency). This premature translational stop signal has been observed in individuals with Marfan syndrome (PMID: 11826022, 27112580). ClinVar contains an entry for this variant (Variation ID: 519729). For these reasons, this variant has been classified as Pathogenic.

Institute of Medical Genetics and Applied Genomics, University Hospital Tübingen
Classification: Pathogenic for Marfan syndrome. Last evaluated: 2024-02-29. Review status: criteria provided, single submitter. Criteria: ACMG Guidelines, 2015. Collection method: clinical testing. Allele origin: germline. Inheritance: Autosomal dominant inheritance. Affected: yes.

Dasa
Classification: Pathogenic for Marfan syndrome. Last evaluated: 2022-11-03. Review status: criteria provided, single submitter. Criteria: ACMG Guidelines, 2015. Collection method: clinical testing. Allele origin: germline. Affected: yes. Observed: 1 variant allele.
Comment: The c.7240C>T;p.(Arg2414*) variant creates a premature translational stop signal in the FBN1 gene. It is expected to result in an absent or disrupted protein product - PVS1. This sequence change has been observed in affected individual(s) and ClinVar contains an entry for this variant (ClinVar ID: 519729; PMID: 34122512; 30542390; 19618372; 12068374; 21907952; 11826022) - PS4. This variant is not present in population databases (rs112550005, gnomAD; ABraOM no frequency) - PM2. In summary, the currently available evidence indicates that the variant is pathogenic.

Victorian Clinical Genetics Services, Murdoch Childrens Research Institute
Classification: Pathogenic for Marfan syndrome. Last evaluated: 2022-09-02. Review status: criteria provided, single submitter. Criteria: ACMG Guidelines, 2015. Collection method: clinical testing. Allele origin: germline. Inheritance: Autosomal dominant inheritance. Affected: yes.
Comment: Based on the classification scheme VCGS_Germline_v1.3.4, this variant is classified as Pathogenic. Following criteria are met: 0103 - Dominant negative and loss of function are known mechanisms of disease in this gene and are associated with FBN1-related disease. Variants predicted to result in nonsense mediated decay cause loss of function effects, and are more commonly associated with severe Marfan syndrome (MIM#154700). Missense variants with both dominant negative and loss of function effects on protein function, are associated with Marfan syndrome and ectopia lentis (MIM#129600) (OMIM, PMID: 29357934). The exact genotype-phenotype correlation for this gene is still unclear, and is compounded by variable expressivity (PMID: 20301510). (I) 0107 - This gene is predominantly associated with autosomal dominant disease; autosomal recessive forms of Marfan syndrome have been reported infrequently (PMID: 27274304; 31950671). 0115 - Variants in this gene are known to have variable expressivity. The genotype-phenotype correlations for this gene are unclear, with single variants reported in patients with a range of phenotypes (PMID: 20301510, OMIM). (I) 0201 - Variant is predicted to cause nonsense-mediated decay (NMD) and loss of protein (premature termination codon is located at least 54 nucleotides upstream of the final exon-exon junction). (SP) 0251 - This variant is heterozygous. (I) 0301 - Variant is absent from gnomAD (both v2 and v3). (SP) 0701 - Other premature termination variants comparable to the one identified in this case have very strong previous evidence for pathogenicity. Many NMD-predicted variants in this gene have been reported as likely pathogenic/pathogenic (ClinVar). (SP) 0801 - This variant has strong previous evidence of pathogenicity in unrelated individuals. It has been reported in individuals with Marfan syndrome and as pathogenic by multiple clinical testing laboratories (ClinVar, PMID: 32679894). (SP) 1206 - This variant has been shown to be paternally inherited (external clinical testing laboratory). (I) Legend: (SP) - Supporting pathogenic, (I) - Information, (SB) - Supporting benign

Blueprint Genetics
Classification: Pathogenic for FBN1-related disorders. Last evaluated: 2022-02-08. Review status: criteria provided, single submitter. Criteria: ACMG Guidelines, 2015. Collection method: clinical testing. Allele origin: germline. Affected: yes. Observed: 2 variant alleles.

Centre of Medical Genetics, University of Antwerp
Classification: Pathogenic for Marfan syndrome. Last evaluated: 2021-03-01. Review status: criteria provided, single submitter. Criteria: Submitter's publication. Collection method: research. Allele origin: unknown. Affected: yes. Observed: 3 variant alleles.
Comment: PM2, PVS1, PP1, PP4 or PM2, PVS1, PP4

Baylor Genetics
Classification: Pathogenic for Marfan syndrome. Last evaluated: 2020-06-03. Review status: criteria provided, single submitter. Criteria: ACMG Guidelines, 2015. Collection method: clinical testing. Allele origin: unknown. Affected: yes.
Comment: This variant was determined to be pathogenic according to ACMG Guidelines, 2015 [PMID:25741868].

Petrovsky National Research Centre of Surgery, The Federal Agency for Scientific Organizations
Classification: Pathogenic for Marfan syndrome. Last evaluated: 2019-08-26. Review status: criteria provided, single submitter. Criteria: ACMG Guidelines, 2015. Collection method: clinical testing. Allele origin: unknown. Inheritance: Autosomal dominant inheritance. Affected: yes. Observed: 1 heterozygote.
Comment: The p.Arg2414Ter variant is a known mutation associated with MFS (PMID: 12068374, 19618372). This variant is absent from large population studies (ExAC no frequency). ClinVar has an entry for this variant (Variation ID: 519729). LoF variants in FBN1 gene are a known disease-cause mutations (ExAC pLI = 1.00)(PMID: 20591885).

CHEO Genetics Diagnostic Laboratory, Children's Hospital of Eastern Ontario
Classification: Pathogenic for Familial thoracic aortic aneurysm and aortic dissection. Last evaluated: 2016-08-15. Review status: criteria provided, single submitter. Criteria: ACMG Guidelines, 2015. Collection method: clinical testing. Allele origin: germline. Study: Canadian Open Genetics Repository.

PreventionGenetics, part of Exact Sciences
Classification: Pathogenic for FBN1-related condition. Last evaluated: 2024-05-17. Review status: no assertion criteria provided. Collection method: clinical testing. Allele origin: germline. Not counted in ClinVar's aggregate classification.
Comment: The FBN1 c.7240C>T variant is predicted to result in premature protein termination (p.Arg2414*). This variant has been reported in several individuals with Marfan syndrome (see examples: Table 5, Körkkö et al. 2002. PubMed ID: 11826022; Table S3, Chen et al. 2021. PubMed ID: 34550612; Table S1, Meester et al. 2022. PubMed ID: 35058154; Magyar et al. 2009. PubMed ID: 19618372; Abuduxikuer and Wang. 2021. PubMed ID: 34122512; Table S2, Proost et al. 2015. PubMed ID: 25907466). This variant has not been reported in a large population database, indicating this variant is rare. Nonsense variants in FBN1 are expected to be pathogenic, and this variant has been consistently interpreted as pathogenic by other laboratories in the ClinVar database. This variant is interpreted as pathogenic.

Center for Medical Genetics Ghent, University of Ghent
Classification: Pathogenic for Marfan syndrome. Last evaluated: 2017-11-07. Review status: no assertion criteria provided. Collection method: clinical testing. Allele origin: de novo. Affected: yes. Not counted in ClinVar's aggregate classification.

Literature cited by the submitters: PubMed 11826022 (cited by 3 submitters); PubMed 12068374 (cited by Ambry Genetics and Dasa); PubMed 19618372 (cited by Ambry Genetics and Dasa); PubMed 21907952 (cited by Ambry Genetics and Dasa); PubMed 17657824 (cited by Labcorp Genetics (formerly Invitae), Labcorp); PubMed 19293843 (cited by Labcorp Genetics (formerly Invitae), Labcorp); PubMed 27112580 (cited by Labcorp Genetics (formerly Invitae), Labcorp); PubMed 34122512 (cited by Dasa); PubMed 30542390 (cited by Dasa); NCBI Bookshelf NBK1335 (cited by Victorian Clinical Genetics Services, Murdoch Childrens Research Institute); PubMed 20301510 (cited by Victorian Clinical Genetics Services, Murdoch Childrens Research Institute); PubMed 27274304 (cited by Victorian Clinical Genetics Services, Murdoch Childrens Research Institute); PubMed 29357934 (cited by Victorian Clinical Genetics Services, Murdoch Childrens Research Institute); PubMed 31950671 (cited by Victorian Clinical Genetics Services, Murdoch Childrens Research Institute); PubMed 32679894 (cited by Victorian Clinical Genetics Services, Murdoch Childrens Research Institute).

NM_000138.5(FBN1):c.7240C>T (p.Arg2414Ter)

Gene: FBN1 (fibrillin 1; minus strand). Cytogenetic location: 15q21.1.
Variant type: single nucleotide variant.
Coding change: c.7240C>T on transcript NM_000138.5 (MANE Select); coding-DNA position 7240, C replaced by T.
Protein change: p.Arg2414Ter; replaces arginine 2414 with a stop codon.
Molecular consequence: nonsense.
Genome position (GRCh38, 1-based): chr15:48,425,829, G>A on the plus strand (C>T on the coding strand, the complement: FBN1 is on the minus strand). VCF-style: chr15-48425829-G-A. GRCh37 (hg19) VCF-style: chr15-48718026-G-A.
Other names: short protein forms R2414*.
Identifiers: ClinVar variation 519729 (VCV000519729.45), dbSNP rs112550005, ClinGen allele CA269520797.